The following is an entry in ClinVar:

ClinVar aggregate classification (germline): Uncertain significance (1 of 4 stars; one submission).

Submission:

Labcorp Genetics (formerly Invitae), Labcorp
Classification: Uncertain significance. Last evaluated: 2025-08-18. Review status: criteria provided, single submitter. Criteria: Invitae Variant Classification Sherloc (09022015). Collection method: clinical testing. Allele origin: germline.
Comment: This sequence change creates a premature translational stop signal (p.Arg113Hisfs*4) in the OAS1 gene. It is expected to result in an absent or disrupted protein product. However, the current clinical and genetic evidence is not sufficient to establish whether loss-of-function variants in OAS1 cause disease. This variant is not present in population databases (gnomAD no frequency). This variant has not been reported in the literature in individuals affected with OAS1-related conditions. Experimental studies and prediction algorithms are not available or were not evaluated, and the functional significance of this variant is currently unknown. In summary, the available evidence is currently insufficient to determine the role of this variant in disease. Therefore, it has been classified as a Variant of Uncertain Significance.

NM_016816.4(OAS1):c.337_340del (p.Arg113fs)

Gene: OAS1 (2'-5'-oligoadenylate synthetase 1; plus strand). Cytogenetic location: 12q24.13.
Variant type: Microsatellite.
Coding change: c.337_340del on transcript NM_016816.4 (MANE Select); coding-DNA positions 337 to 340, 4 bases deleted (AGAG; older notation c.337_340delAGAG).
Protein change: p.Arg113fs; shifts the reading frame from arginine 113.
Molecular consequence: frameshift variant.
Genome position (GRCh38, 1-based): chr12:112,908,692-112,908,695, AGAG deleted; deleting any 4 consecutive bases within chr12:112,908,686-112,908,695 gives the same sequence; the c. name uses the placement nearest the transcript's 3' end. VCF-style (leftmost placement, unchanged base first): chr12-112908685-AAGAG-A. GRCh37 (hg19) VCF-style: chr12-113346490-AAGAG-A.
Other names: c.337_340del, p.Arg113fs (NM_001032409.3, NM_001320151.2, NM_002534.4); short protein forms R113fs.
Identifiers: ClinVar variation 1435149 (VCV001435149.6), dbSNP rs768118701, ClinGen allele CA2063928053.